The following is an entry in ClinVar:

ClinVar aggregate classification (germline): Benign/Likely benign. Review status: criteria provided, multiple submitters, no conflicts (2 of 4 stars). 11 submissions from 11 submitters: Benign (6); Likely benign (5). Last evaluated 2026-02-03.

Conditions:
Connective tissue disorder. Also called: Connective tissue disease. Identifiers: MedGen C0009782, MONDO:0003900.
Melnick-Needles syndrome (MNS). Also called: MELNICK-NEEDLES OSTEODYSPLASTY; OSTEODYSPLASTY OF MELNICK AND NEEDLES; Melnick-Needles Syndrome (FLNA-MNS). Identifiers: Orphanet 2484, MedGen C0025237, MONDO:0010650, OMIM 309350.
Heterotopia, periventricular, X-linked dominant (PVNH1). Also called: PERIVENTRICULAR NODULAR HETEROTOPIA 4; HETEROTOPIA, PERIVENTRICULAR, 1; X-linked periventricular heterotopia; PERIVENTRICULAR NODULAR HETEROTOPIA 1. Identifiers: Orphanet 2149, Orphanet 82004, MedGen C1848213, MONDO:0010233, OMIM 300049.
Frontometaphyseal dysplasia (FMD1). Identifiers: Orphanet 1826, MedGen C0265293, MONDO:0015942.
Oto-palato-digital syndrome, type II (OPD2). Also called: FACIOPALATOOSSEOUS SYNDROME; Otopalatodigital Syndrome, Type II; OPD II SYNDROME; Otopalatodigital Syndrome Type 2 (FLNA-OPD2). Identifiers: Orphanet 669, Orphanet 90652, MedGen C1844696, MONDO:0010571, OMIM 304120.
Familial thoracic aortic aneurysm and aortic dissection (TAAD). Also called: Thoracic aortic aneurysms and dissections. Identifiers: Orphanet 91387, MedGen C4707243, MONDO:0019625.

Allele frequency attached by ClinVar (database versions not stated): gnomAD exomes 0.00043; ExAC 0.00045; gnomAD 0.00058 and 0.00060; TOPMed 0.00063; ESP Exome Variant Server 0.00099.
gnomAD v4.1: 1,508 of 1,209,120 alleles (0.12%); highest among the groups gnomAD compares: Non-Finnish European, 0.16%; 1 homozygote.

Submissions (11):

Labcorp Genetics (formerly Invitae), Labcorp
Classification: Benign for Oto-palato-digital syndrome, type II; Heterotopia, periventricular, X-linked dominant; Frontometaphyseal dysplasia; Melnick-Needles syndrome. Last evaluated: 2026-02-03. Review status: criteria provided, single submitter. Criteria: Invitae Variant Classification Sherloc (09022015). Collection method: clinical testing. Allele origin: germline.

ARUP Laboratories, Molecular Genetics and Genomics, ARUP Laboratories
Classification: Benign. Last evaluated: 2025-06-03. Review status: criteria provided, single submitter. Criteria: ARUP Molecular Germline Variant Investigation Process 2024. Collection method: clinical testing. Allele origin: germline.

Blueprint Genetics
Classification: Likely benign. Last evaluated: 2024-09-30. Review status: criteria provided, single submitter. Criteria: ACMG Guidelines, 2015. Collection method: clinical testing. Allele origin: germline.

Women's Health and Genetics/Laboratory Corporation of America, LabCorp
Classification: Benign. Last evaluated: 2024-08-03. Review status: criteria provided, single submitter. Criteria: LabCorp Variant Classification Summary - May 2015. Collection method: clinical testing. Allele origin: germline.

Mayo Clinic Laboratories, Mayo Clinic
Classification: Benign. Last evaluated: 2024-04-24. Review status: criteria provided, single submitter. Criteria: ACMG Guidelines, 2015. Collection method: clinical testing. Allele origin: germline. Observed: 13 variant alleles.
Comment: BS1, BS2, BP4, BP7

CeGaT Center for Human Genetics Tuebingen
Classification: Likely benign. Last evaluated: 2023-05-01. Review status: criteria provided, single submitter. Criteria: CeGaT Center For Human Genetics Tuebingen Variant Classification Criteria Version 2. Collection method: clinical testing. Allele origin: germline. Affected: yes. Observed: 2 variant alleles.
Comment: FLNA: BP4, BP7, BS2

Ambry Genetics
Classification: Likely benign for Familial thoracic aortic aneurysm and aortic dissection. Last evaluated: 2019-09-09. Review status: criteria provided, single submitter. Criteria: Ambry Variant Classification Scheme 2023. Collection method: clinical testing. Allele origin: germline.

Center for Human Genetics, Inc
Classification: Likely benign for Connective tissue disorder. Last evaluated: 2018-06-01. Review status: criteria provided, single submitter. Criteria: ACMG Guidelines, 2015. Collection method: clinical testing. Allele origin: germline. Affected: yes.

Genetic Services Laboratory, University of Chicago
Classification: Likely benign. Last evaluated: 2015-09-11. Review status: criteria provided, single submitter. Criteria: ACMG Guidelines, 2015. Collection method: clinical testing. Allele origin: germline. Affected: no.

Eurofins Ntd Llc (ga)
Classification: Benign. Last evaluated: 2015-04-09. Review status: criteria provided, single submitter. Criteria: EGL Classification Definitions 2015. Collection method: clinical testing. Allele origin: germline. Observed: 1 variant allele, 1 hemizygote.

GeneDx
Classification: Benign. Last evaluated: 2014-07-10. Review status: criteria provided, single submitter. Criteria: GeneDx Variant Classification (06012015). Collection method: clinical testing. Allele origin: germline. Affected: yes.
Comment: This variant is considered likely benign or benign based on one or more of the following criteria: it is a conservative change, it occurs at a poorly conserved position in the protein, it is predicted to be benign by multiple in silico algorithms, and/or has population frequency not consistent with disease.

NM_001110556.2(FLNA):c.3876C>T (p.His1292=)

Gene: FLNA (filamin A; minus strand). Cytogenetic location: Xq28.
Variant type: single nucleotide variant.
Coding change: c.3876C>T on transcript NM_001110556.2 (MANE Select); coding-DNA position 3876, C replaced by T.
Protein change: p.His1292=; no amino-acid change (histidine 1292 retained).
Molecular consequence: synonymous variant.
Genome position (GRCh38, 1-based): chrX:154,359,835, G>A on the plus strand (C>T on the coding strand, the complement: FLNA is on the minus strand). VCF-style: chrX-154359835-G-A. GRCh37 (hg19) VCF-style: chrX-153588203-G-A.
Other names: p.H1292H:CAC>CAT; p.His1292=; c.3876C>T, p.His1292= (NM_001456.4).
Identifiers: ClinVar variation 195739 (VCV000195739.62), dbSNP rs199917719, ClinGen allele CA302846.